The following is an entry in ClinVar:

NM_004183.4(BEST1):c.881TCA[1] (p.Ile295del)

Gene: BEST1 (bestrophin 1; plus strand). Cytogenetic location: 11q12.3.
Variant type: Microsatellite.
Coding change: c.881TCA[1] on transcript NM_004183.4 (MANE Select); one copy of the 3-base unit TCA starting at c.881; the reference has two copies in a row; one copy, 3 bases deleted; also written c.884_886del.
Protein change: p.Ile295del; deletes isoleucine 295.
Molecular consequence: inframe deletion. On other transcripts: inframe indel (3), non-coding transcript variant (1), intron variant (1).
Genome position (GRCh38, 1-based): chr11:61,959,514-61,959,516, TCA deleted; deleting any 3 consecutive bases within chr11:61,959,511-61,959,516 gives the same sequence; the position shown is the placement nearest the transcript's 3' end. VCF-style (leftmost placement, unchanged base first): chr11-61959510-CTCA-C. GRCh37 (hg19) VCF-style: chr11-61726982-CTCA-C.
Other names: I295delI; c.884_886del (NM_004183.4); c.881_883delTCA (NM_004183.3); c.701_703TCA[1], p.Ile235del (NM_001139443.3); c.701TCA[1], p.Ile235del (NM_001300787.2); c.563_565TCA[1], p.Ile189del (NM_001363591.3); c.1084_1086TCA[1], p.Ser363del (NM_001363592.2); c.-92_-90TCA[1] (NM_001363593.3); and 1 more; short protein forms I295del, S363del, I189del, I235del.
Identifiers: ClinVar variation 2733 (VCV000002733.52), dbSNP rs121918283, ClinGen allele CA227830.

ClinVar aggregate classification (germline): Pathogenic/Likely pathogenic. Review status: criteria provided, multiple submitters, no conflicts (2 of 4 stars). 9 submissions from 9 submitters: Pathogenic (5); Likely pathogenic (2). 2 of the submissions do not count toward it. Last evaluated 2026-06-16.

Conditions:
BEST1-related disorder. Also called: BEST1-related disorders; BEST1-related condition. Identifiers: MedGen CN239200.
Retinal dystrophy. Also called: Inherited retinal dystrophy. Identifiers: Orphanet 71862, MedGen C0854723, MeSH D058499, MONDO:0019118, HP:0000556.
Vitelliform macular dystrophy 2. Also called: Best vitelliform macular dystrophy, multifocal; MACULAR DEGENERATION, POLYMORPHIC VITELLINE; Best Vitelliform Macular Dystrophy (BVMD); VITELLIFORM MACULAR DYSTROPHY, EARLY-ONSET; VITELLIFORM MACULAR DYSTROPHY, JUVENILE-ONSET; Best Macular Dystrophy. Identifiers: Orphanet 1243, MedGen C2745945, MONDO:0007931, OMIM 153700.

Submissions (9):

PreventionGenetics, part of Exact Sciences
Classification: Pathogenic for BEST1-related condition. Last evaluated: 2026-06-16. Review status: criteria provided, single submitter. Criteria: ACMG Guidelines, 2015. Collection method: clinical testing. Allele origin: germline.
Comment: The BEST1 c.884_886delTCA variant is predicted to result in an in-frame deletion (p.Ile295del). This variant has been reported in the heterozygous state in multiple individuals with Best vitelliform macular dystrophy and has been shown to segregate with disease with reduced penetrance (For example: Marquardt et al. 1998. PubMed ID: 9700209; Wabbels et al. 2006. PubMed ID: 16612637; Weisschuh et al. 2020. PubMed ID: 32531858; Nowomiejska et al. 2021. PubMed ID: 34327816). In vitro experimental studies using HEK-293 cells, RPE-J cells, and patient-derived hiPSC-RPE cells suggest this variant causes loss of chloride channel function, mislocalization of BEST1 protein from the basolateral membrane to intracellular compartments, reduced protein stability, and impaired anion transport (Yu et al. 2007. PubMed ID: 17898294; Milenkovic and Weber. 2026. PubMed ID: 42010707). The p.Ile295del variant occurs within the amino acid region considered a mutational hotspot, where variants have been reported in association with retinal disease (Boon et al. 2009. PubMedID: 19375515). This variant has not been reported in a large population database (gnomAD), indicating this variant is rare. This variant is interpreted as pathogenic for autosomal dominant BEST1-related disease.

Blueprint Genetics
Classification: Pathogenic for BEST1-related disorders. Last evaluated: 2024-11-13. Review status: criteria provided, single submitter. Criteria: ACMG Guidelines, 2015. Collection method: clinical testing. Allele origin: germline. Affected: yes. Observed: 5 variant alleles.

Labcorp Genetics (formerly Invitae), Labcorp
Classification: Pathogenic. Last evaluated: 2023-03-11. Review status: criteria provided, single submitter. Criteria: Invitae Variant Classification Sherloc (09022015). Collection method: clinical testing. Allele origin: germline.
Comment: ClinVar contains an entry for this variant (Variation ID: 2733). This variant has been observed in individuals with Best vitelliform macular dystrophy (PMID: 9700209, 16612637). It has also been observed to segregate with disease in related individuals. Algorithms developed to predict the effect of variants on protein structure and function are not available or were not evaluated for this variant. For these reasons, this variant has been classified as Pathogenic. Experimental studies have shown that this variant affects BEST1 function (PMID: 17898294). This variant, c.884_886del, results in the deletion of 1 amino acid(s) of the BEST1 protein (p.Ile295del), but otherwise preserves the integrity of the reading frame. This variant is not present in population databases (gnomAD no frequency).

Institute of Human Genetics, Univ. Regensburg, Univ. Regensburg
Classification: Pathogenic for Retinal dystrophy. Last evaluated: 2022-01-01. Review status: criteria provided, single submitter. Criteria: ACMG Guidelines, 2015. Collection method: clinical testing. Allele origin: germline. Affected: yes.

MGZ Medical Genetics Center
Classification: Likely pathogenic for Vitelliform macular dystrophy 2. Last evaluated: 2021-09-15. Review status: criteria provided, single submitter. Criteria: ACMG Guidelines, 2015. Collection method: clinical testing. Allele origin: germline. Affected: yes. Observed: 1 variant allele.
Comment: ACMG criteria applied: PS3_MOD, PS4_MOD, PP1_MOD, PM2_SUP, PM4_SUP

CeGaT Center for Human Genetics Tuebingen
Classification: Pathogenic. Last evaluated: 2021-09-01. Review status: criteria provided, single submitter. Criteria: CeGaT Center For Human Genetics Tuebingen Variant Classification Criteria Version 2. Collection method: clinical testing. Allele origin: germline. Affected: yes. Observed: 6 variant alleles.

Institute of Medical Molecular Genetics, University of Zurich
Classification: Likely pathogenic for Vitelliform macular dystrophy 2. Last evaluated: 2021-01-30. Review status: criteria provided, single submitter. Criteria: ACMG Guidelines, 2015. Collection method: clinical testing. Allele origin: unknown. Affected: yes.

OMIM
Classification: Pathogenic for MACULAR DYSTROPHY, VITELLIFORM, 2. Last evaluated: 1998-09-01. Review status: no assertion criteria provided. Collection method: literature only. Allele origin: germline. Not counted in ClinVar's aggregate classification.

Retina International
No classification provided. Review status: no classification provided. Collection method: not provided. Allele origin: unknown. Not counted in ClinVar's aggregate classification.

Literature cited by the submitters: PubMed 9700209 (cited by 3 submitters); PubMed 16612637 (cited by Labcorp Genetics (formerly Invitae), Labcorp and Institute of Human Genetics, Univ. Regensburg, Univ. Regensburg); PubMed 17898294 (cited by Labcorp Genetics (formerly Invitae), Labcorp and Institute of Human Genetics, Univ. Regensburg, Univ. Regensburg); PubMed 32531858 (cited by Institute of Human Genetics, Univ. Regensburg, Univ. Regensburg); PubMed 34327816 (cited by Institute of Human Genetics, Univ. Regensburg, Univ. Regensburg).